The following is an entry in ClinVar:

ClinVar aggregate classification (germline): Likely benign. Review status: criteria provided, multiple submitters, no conflicts (2 of 4 stars). 2 submissions from 2 submitters: Likely benign (2). Last evaluated 2023-08-01.

Allele frequency attached by ClinVar (database versions not stated): TOPMed 0.00001.
gnomAD v4.1: 18 of 1,611,402 alleles (0.0011%); highest among the groups gnomAD compares: East Asian, 0.0045%; no homozygotes.

Submissions (2):

CeGaT Center for Human Genetics Tuebingen
Classification: Likely benign. Last evaluated: 2023-08-01. Review status: criteria provided, single submitter. Criteria: CeGaT Center For Human Genetics Tuebingen Variant Classification Criteria Version 2. Collection method: clinical testing. Allele origin: germline. Affected: yes. Observed: 1 variant allele.
Comment: PUF60: BP4, BP7

Blueprint Genetics
Classification: Likely benign. Last evaluated: 2023-07-19. Review status: criteria provided, single submitter. Criteria: ACMG Guidelines, 2015. Collection method: clinical testing. Allele origin: germline.

NM_078480.3(PUF60):c.576G>A (p.Ser192=)

Gene: PUF60 (poly(U) binding splicing factor 60; minus strand). Cytogenetic location: 8q24.3.
Variant type: single nucleotide variant.
Coding change: c.576G>A on transcript NM_078480.3 (MANE Select); coding-DNA position 576, G replaced by A.
Protein change: p.Ser192=; no amino-acid change (serine 192 retained).
Molecular consequence: synonymous variant.
Genome position (GRCh38, 1-based): chr8:143,818,220, C>T on the plus strand (G>A on the coding strand, the complement: PUF60 is on the minus strand). VCF-style: chr8-143818220-C-T. GRCh37 (hg19) VCF-style: chr8-144900390-C-T.
Other names: c.447G>A, p.Ser149= (NM_001136033.3); c.522G>A, p.Ser174= (NM_001271096.2); c.438G>A, p.Ser146= (NM_001271097.2); c.573G>A, p.Ser191= (NM_001271098.2); c.489G>A, p.Ser163= (NM_001271099.2); c.396G>A, p.Ser132= (NM_001271100.2); c.687G>A, p.Ser229= (NM_001362895.2, NM_001362896.2); c.636G>A, p.Ser212= (NM_001362897.2); and 1 more.
Identifiers: ClinVar variation 2658920 (VCV002658920.25), dbSNP rs764109468, ClinGen allele CA187616534.